The following is an entry in ClinVar:

ClinVar aggregate classification (germline): Uncertain significance (1 of 4 stars; one submission).

Conditions:
Long QT syndrome (LQTS). Identifiers: MedGen C0023976, MeSH D008133, MONDO:0002442. Disease mechanism: loss of function. Inheritance: Various modes of inheritance.

Submission:

Labcorp Genetics (formerly Invitae), Labcorp
Classification: Uncertain significance for Long QT syndrome. Last evaluated: 2021-02-09. Review status: criteria provided, single submitter. Criteria: Invitae Variant Classification Sherloc (09022015). Collection method: clinical testing. Allele origin: germline.
Comment: This variant is not present in population databases (ExAC no frequency). In summary, the available evidence is currently insufficient to determine the role of this variant in disease. Therefore, it has been classified as a Variant of Uncertain Significance. Algorithms developed to predict the effect of missense changes on protein structure and function are either unavailable or do not agree on the potential impact of this missense change (SIFT: "Tolerated"; PolyPhen-2: "Possibly Damaging"; Align-GVGD: "Class C0"). This variant has not been reported in the literature in individuals with ANK2-related conditions. This sequence change replaces glycine with alanine at codon 2053 of the ANK2 protein (p.Gly2053Ala). The glycine residue is weakly conserved and there is a small physicochemical difference between glycine and alanine.

NM_001148.6(ANK2):c.6158G>C (p.Gly2053Ala)

Genes: ANK2 (ankyrin 2; plus strand), LOC126807136 (MED14-independent group 3 enhancer GRCh37_chr4:114274931-114276130; plus strand). Cytogenetic location: 4q26.
Variant type: single nucleotide variant.
Coding change: c.6158G>C on transcript NM_001148.6 (MANE Select); coding-DNA position 6158, G replaced by C.
Protein change: p.Gly2053Ala; replaces glycine 2053 with alanine.
Molecular consequence: missense variant. On other transcripts: intron variant (68).
Genome position (GRCh38, 1-based): chr4:113,354,776, G>C. VCF-style: chr4-113354776-G-C. GRCh37 (hg19) VCF-style: chr4-114275932-G-C.
Other names: c.5924G>C, p.Gly1975Ala (NM_001386142.1); c.2558G>C, p.Gly853Ala (NM_001386166.1); c.6299G>C, p.Gly2100Ala (NM_001386174.1); c.6275G>C, p.Gly2092Ala (NM_001386175.1); c.4411+4527G>C (NM_001386186.2, NM_001386148.2); c.4213+4527G>C (NM_001354269.3); c.4291+4527G>C (NM_001386187.2); c.4252+4527G>C (NM_001386147.1); and 35 more; short protein forms G2100A, G2053A, G2092A, G853A, G1975A.
Identifiers: ClinVar variation 1370864 (VCV001370864.8), dbSNP rs2154021788, ClinGen allele CA357922484.
Genomic context (GRCh38, chr4:113,354,776, plus strand): 5'-AGGGGCCGATACTAACCCAGAGAGAAGCTCAGAAAACAGAGAATCAGACAATCAAACGAG[G>C]CCAGAGACTCCCGGTAACGGGCACAGCAGAATCCAAAAGAGGAGTTCGTGTTTCCTCCAT-3'
Protein context (NP_001139.3, residues 2043-2063): QKTENQTIKR[Gly2053Ala]QRLPVTGTAE